The following is an entry in ClinVar:

NM_000543.5(SMPD1):c.1322A>G (p.Tyr441Cys)

Gene: SMPD1 (sphingomyelin phosphodiesterase 1; plus strand). Cytogenetic location: 11p15.4.
Variant type: single nucleotide variant.
Coding change: c.1322A>G on transcript NM_000543.5 (MANE Select); coding-DNA position 1322, A replaced by G.
Protein change: p.Tyr441Cys; replaces tyrosine 441 with cysteine.
Molecular consequence: missense variant. On other transcripts: non-coding transcript variant (2).
Genome position (GRCh38, 1-based): chr11:6,393,675, A>G. VCF-style: chr11-6393675-A-G. GRCh37 (hg19) VCF-style: chr11-6414905-A-G.
Other names: c.1319A>G, p.Tyr440Cys (NM_001007593.3); c.1322A>G, p.Tyr441Cys (NM_001318087.2); c.401A>G, p.Tyr134Cys (NM_001318088.2); c.1190A>G, p.Tyr397Cys (NM_001365135.2); short protein forms Y134C, Y397C, Y440C, Y441C.
Identifiers: ClinVar variation 4856085 (VCV004856085.1).
Genomic context (GRCh38, chr11:6,393,675, plus strand): 5'-AGGTGCATATAATTGGCCACATTCCCCCAGGGCACTGTCTGAAGAGCTGGAGCTGGAATT[A>G]TTACCGAATTGTAGCCAGGTAGGACGGAGATGAGGGTGGGAATAGGGACAGGGTGAGTGT-3'
Protein context (NP_000534.3, residues 431-451): GHCLKSWSWN[Tyr441Cys]YRIVARYENT

ClinVar aggregate classification (germline): Uncertain significance (1 of 4 stars; one submission).

Conditions:
Niemann-Pick disease, type A. Also called: SPHINGOMYELIN LIPIDOSIS; SPHINGOMYELINASE DEFICIENCY; Infantile Neurovisceral ASMD (Niemann-Pick Disease Type A; NPD-A). Identifiers: Orphanet 77292, MedGen C0268242, MONDO:0009756, OMIM 257200. Disease mechanism: loss of function.

Submission:

3billion
Classification: Uncertain significance for Niemann-Pick disease, type A. Last evaluated: 2025-07-01. Review status: criteria provided, single submitter. Criteria: ACMG Guidelines, 2015. Collection method: clinical testing. Allele origin: germline. Affected: yes.
Comment: The variant is not observed in the gnomAD v4.1.0 dataset. Predicted Consequence/Location: Missense variant In silico tool predictions suggest damaging effect of the variant on gene or gene product [REVEL: 0.96 (>=0.6, sensitivity 0.68 and specificity 0.92); 3Cnet: 0.95 (> 0.75, sensitivity 0.96 and precision 0.92)]. Therefore, this variant is classified as VUS according to the recommendation of ACMG/AMP guideline.